The following is an entry in ClinVar:

ClinVar aggregate classification (germline): Uncertain significance. Review status: criteria provided, multiple submitters, no conflicts (2 of 4 stars). 2 submissions from 2 submitters: Uncertain significance (2). Last evaluated 2024-06-25.

Conditions:
Cardiovascular phenotype. Identifiers: MedGen CN230736.
Arrhythmogenic right ventricular dysplasia 11. Also called: ARRHYTHMOGENIC RIGHT VENTRICULAR DYSPLASIA, FAMILIAL, 11; Arrhythmogenic Right Ventricular Dysplasia/Cardiomyopathy11; Arrhythmogenic right ventricular dysplasia 11 with mild palmoplantar keratoderma and woolly hair. Identifiers: MedGen C1864850, MONDO:0012506, OMIM 610476.

gnomAD v4.1: 1 of 1,613,942 alleles (0.000062%); highest among the groups gnomAD compares: Non-Finnish European, 0.000085%; no homozygotes.

Submissions (2):

Labcorp Genetics (formerly Invitae), Labcorp
Classification: Uncertain significance for Arrhythmogenic right ventricular dysplasia 11. Last evaluated: 2024-06-25. Review status: criteria provided, single submitter. Criteria: Invitae Variant Classification Sherloc (09022015). Collection method: clinical testing. Allele origin: germline.
Comment: This sequence change replaces valine, which is neutral and non-polar, with alanine, which is neutral and non-polar, at codon 549 of the DSC2 protein (p.Val549Ala). This variant is not present in population databases (gnomAD no frequency). This variant has not been reported in the literature in individuals affected with DSC2-related conditions. Advanced modeling of protein sequence and biophysical properties (such as structural, functional, and spatial information, amino acid conservation, physicochemical variation, residue mobility, and thermodynamic stability) performed at Invitae indicates that this missense variant is expected to disrupt DSC2 protein function with a positive predictive value of 80%. In summary, the available evidence is currently insufficient to determine the role of this variant in disease. Therefore, it has been classified as a Variant of Uncertain Significance.

Ambry Genetics
Classification: Uncertain significance for Cardiovascular phenotype. Last evaluated: 2022-03-06. Review status: criteria provided, single submitter. Criteria: Ambry Variant Classification Scheme 2023. Collection method: clinical testing. Allele origin: germline.
Comment: The p.V549A variant (also known as c.1646T>C), located in coding exon 11 of the DSC2 gene, results from a T to C substitution at nucleotide position 1646. The valine at codon 549 is replaced by alanine, an amino acid with similar properties. This amino acid position is conserved. In addition, the in silico prediction for this alteration is inconclusive. Since supporting evidence is limited at this time, the clinical significance of this alteration remains unclear.

NM_024422.6(DSC2):c.1646T>C (p.Val549Ala)

Gene: DSC2 (desmocollin 2; minus strand). Cytogenetic location: 18q12.1.
Variant type: single nucleotide variant.
Coding change: c.1646T>C on transcript NM_024422.6 (MANE Select); coding-DNA position 1646, T replaced by C.
Protein change: p.Val549Ala; replaces valine 549 with alanine.
Molecular consequence: missense variant.
Genome position (GRCh38, 1-based): chr18:31,079,864, A>G on the plus strand (T>C on the coding strand, the complement: DSC2 is on the minus strand). VCF-style: chr18-31079864-A-G. GRCh37 (hg19) VCF-style: chr18-28659830-A-G.
Other names: c.1217T>C, p.Val406Ala (NM_001406506.1, NM_001406507.1); c.1646T>C, p.Val549Ala (NM_004949.5); short protein forms V406A, V549A.
Identifiers: ClinVar variation 3227838 (VCV003227838.3), dbSNP rs2510946533, ClinGen allele CA402107729.